The following is an entry in ClinVar:

NM_000443.4(ABCB4):c.524C>T (p.Thr175Met)

Gene: ABCB4 (ATP binding cassette subfamily B member 4; minus strand). Cytogenetic location: 7q21.12.
Variant type: single nucleotide variant.
Coding change: c.524C>T on transcript NM_000443.4 (MANE Select); coding-DNA position 524, C replaced by T.
Protein change: p.Thr175Met; replaces threonine 175 with methionine.
Molecular consequence: missense variant.
Genome position (GRCh38, 1-based): chr7:87,452,956, G>A on the plus strand (C>T on the coding strand, the complement: ABCB4 is on the minus strand). VCF-style: chr7-87452956-G-A. GRCh37 (hg19) VCF-style: chr7-87082272-G-A.
Other names: c.524C>T (NM_000443.3); c.524C>T, p.Thr175Met (NM_018849.3, NM_018850.3); short protein forms T175M.
Identifiers: ClinVar variation 288718 (VCV000288718.9), dbSNP rs746166913, ClinGen allele CA4327526.

ClinVar aggregate classification (germline): Conflicting classifications of pathogenicity. Review status: criteria provided, conflicting classifications (1 of 4 stars). 4 submissions from 4 submitters: Uncertain significance (2); Likely benign (1). 1 of the submissions does not count toward it. Last evaluated 2026-04-14.

Conditions:
ABCB4-related disorder. Also called: ABCB4-related disorders; ABCB4-related condition.
Low phospholipid associated cholelithiasis (GBD1). Also called: Gallbladder disease 1; Gallstone cholecystitis. Identifiers: Orphanet 69663, MedGen C2609268, MONDO:0010939, OMIM 600803.
Familial intrahepatic cholestasis. Identifiers: Orphanet 284385, MedGen CN296401, MONDO:0017290.

Allele frequency attached by ClinVar (database versions not stated): TOPMed 0.00003; gnomAD 0.00007 and 0.00009; gnomAD exomes 0.00025; ExAC 0.00026; 1000 Genomes Project 30x 0.00031.
gnomAD v4.1: 201 of 1,613,856 alleles (0.012%); highest among the groups gnomAD compares: South Asian, 0.18%; 1 homozygote.

Submissions (4):

Genomenon, Inc
Classification: Uncertain significance for Familial intrahepatic cholestasis; Low phospholipid associated cholelithiasis. Last evaluated: 2026-04-14. Review status: criteria provided, single submitter. Criteria: Genomenon Sequence Variant Interpretation Standards - Updated. Collection method: curation. Allele origin: germline. Affected: yes.
Comment: ABCB4 p.Thr175Met (c.524C>T) is a missense variant that changes the amino acid at residue 175 from Threonine to Methionine. This variant has been observed in at least one proband with an ABCB4-related disorder (PMID:36277956;34828443). In silico models predict that this variant is possibly or probably damaging. In conclusion, we classify ABCB4 p.Thr175Met (c.524C>T) as a variant of uncertain significance.

Labcorp Genetics (formerly Invitae), Labcorp
Classification: Likely benign. Last evaluated: 2026-01-05. Review status: criteria provided, single submitter. Criteria: Invitae Variant Classification Sherloc (09022015). Collection method: clinical testing. Allele origin: germline.

Eurofins Ntd Llc (ga)
Classification: Uncertain significance. Last evaluated: 2016-06-10. Review status: criteria provided, single submitter. Criteria: EGL Classification Definitions 2015. Collection method: clinical testing. Allele origin: germline. Observed: 1 variant allele, 1 heterozygote.

PreventionGenetics, part of Exact Sciences
Classification: Likely benign for ABCB4-related condition. Last evaluated: 2024-07-13. Review status: no assertion criteria provided. Collection method: clinical testing. Allele origin: germline. Not counted in ClinVar's aggregate classification.
Comment: This variant is classified as likely benign based on ACMG/AMP sequence variant interpretation guidelines (Richards et al. 2015 PMID: 25741868, with internal and published modifications).

Literature cited by the submitters: PubMed 36277956 (cited by Genomenon, Inc); PubMed 34828443 (cited by Genomenon, Inc).